The following continues an entry in ClinVar:

NM_000492.4(CFTR):c.1684G>A (p.Val562Ile)

Gene: CFTR. ClinVar aggregate classification (germline): Conflicting classifications of pathogenicity. Uncertain significance (10); Likely benign (6).

Submissions 13 to 16 of 16:

Sema4
Classification: Uncertain significance for Hereditary pancreatitis. Last evaluated: 2021-05-07. Review status: criteria provided, single submitter. Criteria: Sema4 Curation Guidelines. Collection method: curation. Allele origin: germline.
Comment: The CFTR c.1684G>A (p.V562I) variant has been reported in individuals with cystic fibrosis, pancreatitis, and congenital absence of the vas deferens (PMID: 31845523, 17331079, 10447267, 21520337, 23951356, 32819855). It was observed in 11/35358 chromosomes of the Latino subpopulation, with no homozygotes, in the large and broad cohorts of the Genome Aggregation Database (PMID: 32461654). The variant has been reported in ClinVar (Variation ID 35830). In silico tools suggest the impact of the variant on protein function is inconclusive, however functional studies suggest this variant has no damaging effect on the protein (PMID: 29805046). The evidence is insufficient to meet ACMG/AMP criteria for classifying the variant as benign or pathogenic. Thus, the clinical significance of this variant is currently uncertain.

SIB Swiss Institute of Bioinformatics
Classification: Uncertain significance for Cystic fibrosis. Last evaluated: 2018-05-31. Review status: criteria provided, single submitter. Criteria: ACMG Guidelines, 2015. Collection method: curation. Allele origin: unknown.
Comment: This variant is interpreted as a Uncertain Significance - Conflicting Evidence, for Cystic fibrosis, in Autosomal Recessive manner. The following ACMG Tag(s) were applied: PM2 => Absent from controls (or at extremely low frequency if recessive) in Exome Sequencing Project, 1000 Genomes Project, or Exome Aggregation Consortium. BS3 => Well-established in vitro or in vivo functional studies show no damaging effect on protein function or splicing (PMID:17098864). BP2 => Observed in trans with a pathogenic variant for a fully penetrant dominant gene/disorder or observed in cis with a pathogenic variant in any inheritance pattern (PMID:17329263).

Eurofins Ntd Llc (ga)
Classification: Uncertain significance. Last evaluated: 2017-10-09. Review status: criteria provided, single submitter. Criteria: EGL Classification Definitions 2015. Collection method: clinical testing. Allele origin: germline. Observed: 5 variant alleles, 5 heterozygotes.

Illumina Laboratory Services, Illumina
Classification: Uncertain significance for CFTR-Related Disorders. Last evaluated: 2017-04-27. Review status: criteria provided, single submitter. Criteria: ICSL Variant Classification Criteria 13 December 2019. Collection method: clinical testing. Allele origin: germline.
Comment: This variant was observed as part of a predisposition screen in an ostensibly healthy population. A literature search was performed for the gene, cDNA change, and amino acid change (where applicable). Publications were found based on this search. However, the evidence from the literature, in combination with allele frequency data from public databases where available, was not sufficient to rule this variant in or out of causing disease. Therefore, this variant is classified as a variant of unknown significance.

Literature cited by the submitters: PubMed 18716917 (cited by Women's Health and Genetics/Laboratory Corporation of America, LabCorp and Illumina Laboratory Services, Illumina); PubMed 9239681 (cited by Women's Health and Genetics/Laboratory Corporation of America, LabCorp and Labcorp Genetics (formerly Invitae), Labcorp); PubMed 19812525 (cited by Women's Health and Genetics/Laboratory Corporation of America, LabCorp); PubMed 1379210 (cited by Women's Health and Genetics/Laboratory Corporation of America, LabCorp and Labcorp Genetics (formerly Invitae), Labcorp); PubMed 17572159 (cited by Women's Health and Genetics/Laboratory Corporation of America, LabCorp and Illumina Laboratory Services, Illumina); PubMed 17331079 (cited by 5 submitters); PubMed 10923036 (cited by Women's Health and Genetics/Laboratory Corporation of America, LabCorp); PubMed 17329263 (cited by 4 submitters); PubMed 17098864 (cited by 6 submitters); PubMed 10445602 (cited by Women's Health and Genetics/Laboratory Corporation of America, LabCorp); PubMed 16189704 (cited by Women's Health and Genetics/Laboratory Corporation of America, LabCorp and Labcorp Genetics (formerly Invitae), Labcorp); PubMed 15333598 (cited by Women's Health and Genetics/Laboratory Corporation of America, LabCorp); PubMed 15758663 (cited by Women's Health and Genetics/Laboratory Corporation of America, LabCorp); PubMed 10447267 (cited by Women's Health and Genetics/Laboratory Corporation of America, LabCorp and Sema4); PubMed 20651897 (cited by Women's Health and Genetics/Laboratory Corporation of America, LabCorp); PubMed 20691141 (cited by 3 submitters); PubMed 25910067 (cited by 3 submitters); PubMed 21708286 (cited by 3 submitters); PubMed 28603918 (cited by Women's Health and Genetics/Laboratory Corporation of America, LabCorp); PubMed 28736296 (cited by Women's Health and Genetics/Laboratory Corporation of America, LabCorp); PubMed 29805046 (cited by 3 submitters); PubMed 30134826 (cited by Women's Health and Genetics/Laboratory Corporation of America, LabCorp and Ambry Genetics); PubMed 31674704 (cited by Women's Health and Genetics/Laboratory Corporation of America, LabCorp); PubMed 31845523 (cited by Women's Health and Genetics/Laboratory Corporation of America, LabCorp and Sema4); PubMed 19810821 (cited by Labcorp Genetics (formerly Invitae), Labcorp and Ambry Genetics); PubMed 20021716 (cited by Labcorp Genetics (formerly Invitae), Labcorp); PubMed 21520337 (cited by Labcorp Genetics (formerly Invitae), Labcorp and Sema4); PubMed 23951356 (cited by Labcorp Genetics (formerly Invitae), Labcorp and Sema4); PubMed 25667564 (cited by Labcorp Genetics (formerly Invitae), Labcorp); PubMed 34782259 (cited by Johns Hopkins Genomics, Johns Hopkins University); PubMed 23810505 (cited by Ambry Genetics); PubMed 32819855 (cited by Sema4); PubMed 23082198 (cited by Illumina Laboratory Services, Illumina); PubMed 24586523 (cited by Illumina Laboratory Services, Illumina).